The following is an entry in ClinVar:

ClinVar aggregate classification (germline): Uncertain significance (1 of 4 stars; one submission).

Submission:

Labcorp Genetics (formerly Invitae), Labcorp
Classification: Uncertain significance. Last evaluated: 2025-07-16. Review status: criteria provided, single submitter. Criteria: Invitae Variant Classification Sherloc (09022015). Collection method: clinical testing. Allele origin: germline.
Comment: This sequence change replaces arginine, which is basic and polar, with histidine, which is basic and polar, at codon 57 of the OTULIN protein (p.Arg57His). This variant is present in population databases (rs369121781, gnomAD 0.006%). This variant has not been reported in the literature in individuals affected with OTULIN-related conditions. An algorithm developed to predict the effect of missense changes on protein structure and function (PolyPhen-2) suggests that this variant is likely to be disruptive. In summary, the available evidence is currently insufficient to determine the role of this variant in disease. Therefore, it has been classified as a Variant of Uncertain Significance.

NM_138348.6(OTULIN):c.170G>A (p.Arg57His)

Gene: OTULIN (OTU deubiquitinase with linear linkage specificity; plus strand). Cytogenetic location: 5p15.2.
Variant type: single nucleotide variant.
Coding change: c.170G>A on transcript NM_138348.6 (MANE Select); coding-DNA position 170, G replaced by A.
Protein change: p.Arg57His; replaces arginine 57 with histidine.
Molecular consequence: missense variant.
Genome position (GRCh38, 1-based): chr5:14,673,659, G>A. VCF-style: chr5-14673659-G-A. GRCh37 (hg19) VCF-style: chr5-14673768-G-A.
Other names: short protein forms R57H.
Identifiers: ClinVar variation 4780282 (VCV004780282.1).
Genomic context (GRCh38, chr5:14,673,659, plus strand): 5'-GTGCAACAAGTGTTTGAAAATGTCTGCTTTGGTGTAATTTCAGTGAGGAGGACATGTACC[G>A]TGCTGCAGATGAAATAGAAAAGGAGAAAGAATTGCTTATACATGAAAGAGGGGCATCAGG-3'
Protein context (NP_612357.4, residues 47-67): CPAEHEEDMY[Arg57His]AADEIEKEKE